The following is an entry in ClinVar:

ClinVar aggregate classification (germline): Uncertain significance (1 of 4 stars; one submission).

Submission:

GeneDx
Classification: Uncertain significance. Last evaluated: 2025-07-28. Review status: criteria provided, single submitter. Criteria: GeneDx Variant Classification Process June 2021. Collection method: clinical testing. Allele origin: germline. Affected: yes.
Comment: Not observed at significant frequency in large population cohorts (gnomAD); In silico analysis suggests that this missense variant does not alter protein structure/function; Has not been previously published as pathogenic or benign to our knowledge

NM_001368397.1(FRMPD4):c.2351C>T (p.Thr784Ile)

Gene: FRMPD4 (FERM and PDZ domain containing 4; plus strand). Cytogenetic location: Xp22.2.
Variant type: single nucleotide variant.
Coding change: c.2351C>T on transcript NM_001368397.1 (MANE Select); coding-DNA position 2351, C replaced by T.
Protein change: p.Thr784Ile; replaces threonine 784 with isoleucine.
Molecular consequence: missense variant.
Genome position (GRCh38, 1-based): chrX:12,716,810, C>T. VCF-style: chrX-12716810-C-T. GRCh37 (hg19) VCF-style: chrX-12734929-C-T.
Other names: c.2462C>T, p.Thr821Ile (NM_001368395.3, NM_001368398.3); c.2357C>T, p.Thr786Ile (NM_001368396.3); c.2342C>T, p.Thr781Ile (NM_001368399.3); c.2231C>T, p.Thr744Ile (NM_001368400.3); c.2327C>T, p.Thr776Ile (NM_001368401.1, NM_001368402.3); c.2351C>T, p.Thr784Ile (NM_014728.3); short protein forms T744I, T776I, T781I, T784I, T786I, T821I.
Identifiers: ClinVar variation 4690021 (VCV004690021.1).